The following is an entry in ClinVar:

ClinVar aggregate classification (germline): Uncertain significance. Review status: criteria provided, multiple submitters, no conflicts (2 of 4 stars). 2 submissions from 2 submitters: Uncertain significance (2). Last evaluated 2025-08-29.

Conditions:
Inborn genetic diseases. Identifiers: MedGen C0950123, MeSH D030342.
Hereditary spastic paraplegia 45. Also called: Spastic paraplegia 45, autosomal recessive; SPASTIC PARAPLEGIA 45. Identifiers: Orphanet 320396, MedGen C3888209, MONDO:0013165, OMIM 613162.

Allele frequency attached by ClinVar (database versions not stated): gnomAD exomes 0.00001.
gnomAD v4.1: 13 of 1,613,906 alleles (0.00081%); highest among the groups gnomAD compares: Non-Finnish European, 0.001%; no homozygotes.

Submissions (2):

Ambry Genetics
Classification: Uncertain significance for Inborn genetic diseases. Last evaluated: 2025-08-29. Review status: criteria provided, single submitter. Criteria: Ambry Variant Classification Scheme 2023. Collection method: clinical testing. Allele origin: germline.

Labcorp Genetics (formerly Invitae), Labcorp
Classification: Uncertain significance for Hereditary spastic paraplegia 45. Last evaluated: 2022-11-15. Review status: criteria provided, single submitter. Criteria: Invitae Variant Classification Sherloc (09022015). Collection method: clinical testing. Allele origin: germline.
Comment: This sequence change replaces valine, which is neutral and non-polar, with isoleucine, which is neutral and non-polar, at codon 78 of the NT5C2 protein (p.Val78Ile). In summary, the available evidence is currently insufficient to determine the role of this variant in disease. Therefore, it has been classified as a Variant of Uncertain Significance. Algorithms developed to predict the effect of missense changes on protein structure and function are either unavailable or do not agree on the potential impact of this missense change (SIFT: "Deleterious"; PolyPhen-2: "Benign"; Align-GVGD: "Class C0"). ClinVar contains an entry for this variant (Variation ID: 1010868). This variant has not been reported in the literature in individuals affected with NT5C2-related conditions. This variant is not present in population databases (gnomAD no frequency).

NM_001351169.2(NT5C2):c.232G>A (p.Val78Ile)

Gene: NT5C2 (5'-nucleotidase, cytosolic II; minus strand). Cytogenetic location: 10q24.33.
Variant type: single nucleotide variant.
Coding change: c.232G>A on transcript NM_001351169.2 (MANE Select); coding-DNA position 232, G replaced by A.
Protein change: p.Val78Ile; replaces valine 78 with isoleucine.
Molecular consequence: missense variant. On other transcripts: 5 prime UTR variant (22).
Genome position (GRCh38, 1-based): chr10:103,106,650, C>T on the plus strand (G>A on the coding strand, the complement: NT5C2 is on the minus strand). VCF-style: chr10-103106650-C-T. GRCh37 (hg19) VCF-style: chr10-104866407-C-T.
Other names: c.232G>A, p.Val78Ile (NM_001134373.3, NM_001351170.2, NM_001351171.2 and 3 more transcripts); c.145G>A, p.Val49Ile (NM_001351174.1); c.139G>A, p.Val47Ile (NM_001351175.2); c.-342G>A (NM_001351176.2, NM_001351177.2, NM_001351183.2 and 2 more transcripts); c.-366G>A (NM_001351178.2, NM_001351193.1); c.-534G>A (NM_001351179.2, NM_001351180.2, NM_001351182.2 and 3 more transcripts); c.-250G>A (NM_001351181.2, NM_001351191.1); c.-555G>A (NM_001351185.2); and 6 more; short protein forms V47I, V49I, V78I.
Identifiers: ClinVar variation 1010868 (VCV001010868.9), dbSNP rs2071354086, ClinGen allele CA377978158.